The following is an entry in ClinVar:

NM_001042492.3(NF1):c.7026G>A (p.Leu2342=)

Gene: NF1 (neurofibromin 1; plus strand). Cytogenetic location: 17q11.2.
Variant type: single nucleotide variant.
Coding change: c.7026G>A on transcript NM_001042492.3 (MANE Select); coding-DNA position 7026, G replaced by A.
Protein change: p.Leu2342=; no amino-acid change (leucine 2342 retained).
Molecular consequence: synonymous variant.
Genome position (GRCh38, 1-based): chr17:31,340,609, G>A. VCF-style: chr17-31340609-G-A. GRCh37 (hg19) VCF-style: chr17-29667627-G-A.
Other names: p.Leu2321=; c.6963G>A, p.Leu2321= (NM_000267.4).
Identifiers: ClinVar variation 184460 (VCV000184460.55), dbSNP rs371581213, ClinGen allele CA189029.

ClinVar aggregate classification (germline): Conflicting classifications of pathogenicity. Review status: criteria provided, conflicting classifications (1 of 4 stars). 16 submissions from 13 submitters: Uncertain significance (3); Benign (2); Likely benign (10). 1 of the submissions does not count toward it. Last evaluated 2026-05-21.

Conditions:
NF1-related disorder. Also called: NF1-related condition. Identifiers: MedGen CN379171.
Hereditary cancer-predisposing syndrome. Also called: Tumor predisposition; Neoplastic Syndromes, Hereditary; Hereditary Cancer Syndrome; Hereditary neoplastic syndrome. Identifiers: Orphanet 140162, MedGen C0027672, MeSH D009386, MONDO:0015356.
Neurofibromatosis, familial spinal (FSNF). Identifiers: Orphanet 636, MedGen C1834235, MONDO:0008078, OMIM 162210. Disease mechanism: loss of function.
Café-au-lait macules with pulmonary stenosis (WTSN). Also called: PULMONIC STENOSIS WITH CAFE-AU-LAIT SPOTS. Identifiers: MedGen C0553586, MONDO:0008672, OMIM 193520.
Neurofibromatosis-Noonan syndrome (NFNS). Also called: NEUROFIBROMATOSIS WITH NOONAN PHENOTYPE. Identifiers: Orphanet 638, MedGen C2931482, MONDO:0011035, OMIM 601321. Disease mechanism: loss of function.
Neurofibromatosis, type 1 (NF1). Also called: Peripheral type neurofibromatosis; Neurofibromatosis, type I; NEUROFIBROMATOSIS, TYPE I, SOMATIC; VON RECKLINGHAUSEN DISEASE. Identifiers: Orphanet 636, MedGen C0027831, MONDO:0018975, OMIM 162200. Disease mechanism: loss of function.

Allele frequency attached by ClinVar (database versions not stated): TOPMed 0.00002; gnomAD 0.00013; ESP Exome Variant Server 0.00015.
gnomAD v4.1: 75 of 1,613,964 alleles (0.0046%); highest among the groups gnomAD compares: Middle Eastern, 0.033%; 1 homozygote.

Submissions (16):

Myriad Genetics, Inc.
Classification: Benign for Neurofibromatosis, type 1. Last evaluated: 2026-05-21. Review status: criteria provided, single submitter. Criteria: Myriad Autosomal Dominant, Autosomal Recessive and X-Linked Classification Criteria (2023). Collection method: clinical testing. Allele origin: unknown.
Comment: This variant is considered benign. This variant is a silent/synonymous amino acid change and it is not expected to impact splicing.

Labcorp Genetics (formerly Invitae), Labcorp
Classification: Likely benign for Neurofibromatosis, type 1. Last evaluated: 2026-01-18. Review status: criteria provided, single submitter. Criteria: Invitae Variant Classification Sherloc (09022015). Collection method: clinical testing. Allele origin: germline.

Mayo Clinic Laboratories, Mayo Clinic
Classification: Likely benign. Last evaluated: 2025-10-03. Review status: criteria provided, single submitter. Criteria: ACMG Guidelines, 2015. Collection method: clinical testing. Allele origin: germline. Observed: 1 variant allele.
Comment: BP4, BP7

Blueprint Genetics
Classification: Likely benign. Last evaluated: 2024-11-22. Review status: criteria provided, single submitter. Criteria: ACMG Guidelines, 2015. Collection method: clinical testing. Allele origin: germline.

CeGaT Center for Human Genetics Tuebingen
Classification: Likely benign. Last evaluated: 2023-10-01. Review status: criteria provided, single submitter. Criteria: CeGaT Center For Human Genetics Tuebingen Variant Classification Criteria Version 2. Collection method: clinical testing. Allele origin: germline. Affected: yes. Observed: 3 variant alleles.
Comment: NF1: BP4, BP7

Institute for Biomarker Research, Medical Diagnostic Laboratories, L.L.C.
Classification: Likely benign for Hereditary cancer-predisposing syndrome. Last evaluated: 2022-12-08. Review status: criteria provided, single submitter. Criteria: ACMG Guidelines, 2015. Collection method: clinical testing. Allele origin: germline.

Women's Health and Genetics/Laboratory Corporation of America, LabCorp
Classification: Likely benign. Last evaluated: 2021-11-21. Review status: criteria provided, single submitter. Criteria: LabCorp Variant Classification Summary - May 2015. Collection method: clinical testing. Allele origin: germline.

Sema4
Classification: Benign for Hereditary cancer-predisposing syndrome. Last evaluated: 2021-10-08. Review status: criteria provided, single submitter. Criteria: Sema4 Curation Guidelines. Collection method: curation. Allele origin: germline.

Genetic Services Laboratory, University of Chicago
Classification: Likely benign. Last evaluated: 2019-06-06. Review status: criteria provided, single submitter. Criteria: ACMG Guidelines, 2015. Collection method: clinical testing. Allele origin: germline. Affected: no.

Illumina Laboratory Services, Illumina
Classification: Likely benign for Neurofibromatosis-Noonan syndrome. Last evaluated: 2018-01-12. Review status: criteria provided, single submitter. Criteria: ICSL Variant Classification Criteria 13 December 2019. Collection method: clinical testing. Allele origin: germline.
Comment: This variant was observed in the ICSL laboratory as part of a predisposition screen in an ostensibly healthy population. It had not been previously curated by ICSL or reported in the Human Gene Mutation Database (HGMD: prior to June 1st, 2018), and was therefore a candidate for classification through an automated scoring system. Utilizing variant allele frequency, disease prevalence and penetrance estimates, and inheritance mode, an automated score was calculated to assess if this variant is too frequent to cause the disease. Based on the score and internal cut-off values, a variant classified as likely benign is not then subjected to further curation. The score for this variant resulted in a classification of likely benign for this disease.

Illumina Laboratory Services, Illumina
Classification: Uncertain significance for Neurofibromatosis, type 1. Last evaluated: 2018-01-12. Review status: criteria provided, single submitter. Criteria: ICSL Variant Classification Criteria 13 December 2019. Collection method: clinical testing. Allele origin: germline.

Illumina Laboratory Services, Illumina
Classification: Uncertain significance for Neurofibromatosis, familial spinal. Last evaluated: 2018-01-12. Review status: criteria provided, single submitter. Criteria: ICSL Variant Classification Criteria 13 December 2019. Collection method: clinical testing. Allele origin: germline.

Illumina Laboratory Services, Illumina
Classification: Uncertain significance for Café-au-lait macules with pulmonary stenosis. Last evaluated: 2018-01-12. Review status: criteria provided, single submitter. Criteria: ICSL Variant Classification Criteria 13 December 2019. Collection method: clinical testing. Allele origin: germline.

GeneDx
Classification: Likely benign. Last evaluated: 2017-08-22. Review status: criteria provided, single submitter. Criteria: GeneDx Variant Classification (06012015). Collection method: clinical testing. Allele origin: germline. Affected: yes.
Comment: This variant is considered likely benign or benign based on one or more of the following criteria: it is a conservative change, it occurs at a poorly conserved position in the protein, it is predicted to be benign by multiple in silico algorithms, and/or has population frequency not consistent with disease.

Ambry Genetics
Classification: Likely benign for Hereditary cancer-predisposing syndrome. Last evaluated: 2014-12-30. Review status: criteria provided, single submitter. Criteria: Ambry Autosomal Dominant and X-Linked criteria (10/2015). Collection method: clinical testing. Allele origin: germline. Observed: 1 variant allele.

PreventionGenetics, part of Exact Sciences
Classification: Likely benign for NF1-related condition. Last evaluated: 2019-12-02. Review status: no assertion criteria provided. Collection method: clinical testing. Allele origin: germline. Not counted in ClinVar's aggregate classification.
Comment: This variant is classified as likely benign based on ACMG/AMP sequence variant interpretation guidelines (Richards et al. 2015 PMID: 25741868, with internal and published modifications).

Literature cited by the submitters: PubMed 10678181 (cited by Women's Health and Genetics/Laboratory Corporation of America, LabCorp); PubMed 23460398 (cited by Women's Health and Genetics/Laboratory Corporation of America, LabCorp).